The following is an entry in ClinVar:

ClinVar aggregate classification (germline): Conflicting classifications of pathogenicity. Review status: criteria provided, conflicting classifications (1 of 4 stars). 2 submissions from 2 submitters: Uncertain significance (1); Benign (1). Last evaluated 2024-05-24.

Conditions:
Osteogenesis imperfecta type I (OI1). Also called: OSTEOGENESIS IMPERFECTA TARDA; OSTEOGENESIS IMPERFECTA WITH BLUE SCLERAE; Osteogenesis imperfecta type 1; Lobstein's Disease; Classic Non-deforming Osteogenesis Imperfecta with Blue Sclerae; OI, TYPE I. Identifiers: Orphanet 216796, Orphanet 666, MedGen C0023931, MONDO:0008146, OMIM 166200. Disease mechanism: loss of function.

Allele frequency attached by ClinVar (database versions not stated): TOPMed below 0.00001; gnomAD exomes 0.00001; gnomAD 0.00002; ExAC 0.00003; 1000 Genomes Project 30x 0.00016; 1000 Genomes Project 0.00020.
gnomAD v4.1: 21 of 1,614,116 alleles (0.0013%); highest among the groups gnomAD compares: South Asian, 0.023%; no homozygotes.

Submissions (2):

Labcorp Genetics (formerly Invitae), Labcorp
Classification: Benign for Osteogenesis imperfecta type I. Last evaluated: 2024-05-24. Review status: criteria provided, single submitter. Criteria: Invitae Variant Classification Sherloc (09022015). Collection method: clinical testing. Allele origin: germline.

GeneDx
Classification: Uncertain significance. Last evaluated: 2022-03-24. Review status: criteria provided, single submitter. Criteria: GeneDx Variant Classification Process June 2021. Collection method: clinical testing. Allele origin: germline. Affected: yes.
Comment: Has been reported in an individual with osteogenesis imperfecta (OI) (Li et al., 2019); In silico analysis supports that this missense variant does not alter protein structure/function; Not located in the triple helical region, where the majority of pathogenic missense variants occur (HGMD); This variant is associated with the following publications: (PMID: 30715774)

NM_000088.4(COL1A1):c.178A>T (p.Ile60Phe)

Gene: COL1A1 (collagen type I alpha 1 chain; minus strand). Cytogenetic location: 17q21.33.
Variant type: single nucleotide variant.
Coding change: c.178A>T on transcript NM_000088.4 (MANE Select); coding-DNA position 178, A replaced by T.
Protein change: p.Ile60Phe; replaces isoleucine 60 with phenylalanine.
Molecular consequence: missense variant.
Genome position (GRCh38, 1-based): chr17:50,199,873, T>A on the plus strand (A>T on the coding strand, the complement: COL1A1 is on the minus strand). VCF-style: chr17-50199873-T-A. GRCh37 (hg19) VCF-style: chr17-48277234-T-A.
Other names: short protein forms I60F.
Identifiers: ClinVar variation 1707102 (VCV001707102.4), dbSNP rs544922468, ClinGen allele CA8645815.